The following is an entry in ClinVar:

NC_000001.10:g.(?_216419907)_(216465732_?)del

Gene: USH2A (usherin; minus strand). Cytogenetic location: 1q41.
Variant type: Deletion.
Identifiers: ClinVar variation 3248048 (VCV003248048.1).

ClinVar aggregate classification (germline): Pathogenic (1 of 4 stars; one submission).

Submission:

Labcorp Genetics (formerly Invitae), Labcorp
Classification: Pathogenic. Last evaluated: 2023-11-28. Review status: criteria provided, single submitter. Criteria: Invitae Variant Classification Sherloc (09022015). Collection method: clinical testing. Allele origin: unknown.
Comment: This variant is a gross deletion of the genomic region encompassing exon(s) 10-13 of the USH2A gene. This deletion is out-of-frame, and is expected to create a premature termination codon and result in an absent or disrupted protein product. Loss-of-function variants in USH2A are known to be pathogenic (PMID: 10729113, 10909849, 20507924, 25649381). This variant has not been reported in the literature in individuals affected with USH2A-related conditions. For these reasons, this variant has been classified as Pathogenic.

Literature cited by the submitters: PubMed 10729113; PubMed 10909849; PubMed 20507924; PubMed 25649381.